The following is an entry in ClinVar:

NM_001130987.2(DYSF):c.4527+141C>G

Gene: DYSF (dysferlin; plus strand). Cytogenetic location: 2p13.2.
Variant type: single nucleotide variant.
Coding change: c.4527+141C>G on transcript NM_001130987.2 (MANE Select); 141 bases into the intron after coding-DNA position 4527, C replaced by G.
Molecular consequence: intron variant.
Genome position (GRCh38, 1-based): chr2:71,620,750, C>G. VCF-style: chr2-71620750-C-G. GRCh37 (hg19) VCF-style: chr2-71847880-C-G.
Other names: c.4503+7340C>G (NM_001130979.2); c.4524+141C>G (NM_001130981.2); c.4461+7340C>G (NM_001130980.2); c.4473+141C>G (NM_001130978.2); c.4410+7340C>G (NM_003494.4); c.4431+141C>G (NM_001130977.2); c.4368+7340C>G (NM_001130976.2); c.4506+7340C>G (NM_001130982.2); and 5 more.
Identifiers: ClinVar variation 678255 (VCV000678255.2), dbSNP rs75026991, ClinGen allele CA49785474.

ClinVar aggregate classification (germline): Likely benign. Review status: criteria provided, multiple submitters, no conflicts (2 of 4 stars). 2 submissions from 2 submitters: Likely benign (2). Last evaluated 2018-06-18.

Allele frequency attached by ClinVar (database versions not stated): gnomAD exomes 0.00147; gnomAD 0.01427 and 0.01538; TOPMed 0.01603; 1000 Genomes Project 0.01677; 1000 Genomes Project 30x 0.01936.
gnomAD v4.1: 3,251 of 850,998 alleles (0.38%); highest among the groups gnomAD compares: African/African-American, 5%; 69 homozygotes.

Submissions (2):

GeneDx
Classification: Likely benign. Last evaluated: 2018-06-18. Review status: criteria provided, single submitter. Criteria: GeneDx Variant Classification (06012015). Collection method: clinical testing. Allele origin: germline. Affected: yes.
Comment: This variant is considered likely benign or benign based on one or more of the following criteria: it is a conservative change, it occurs at a poorly conserved position in the protein, it is predicted to be benign by multiple in silico algorithms, and/or has population frequency not consistent with disease.

Breakthrough Genomics
Classification: Likely benign. Review status: criteria provided, single submitter. Criteria: ACMG Guidelines, 2015. Collection method: not provided. Allele origin: germline. Inheritance: Autosomal recessive inheritance. Affected: yes.